The following is an entry in ClinVar:

NM_000535.7(PMS2):c.2119T>A (p.Tyr707Asn)

Gene: PMS2 (PMS1 homolog 2, mismatch repair system component; minus strand). Cytogenetic location: 7p22.1.
Variant type: single nucleotide variant.
Coding change: c.2119T>A on transcript NM_000535.7 (MANE Select); coding-DNA position 2119, T replaced by A.
Protein change: p.Tyr707Asn; replaces tyrosine 707 with asparagine.
Molecular consequence: missense variant. On other transcripts: non-coding transcript variant (1), intron variant (4).
Genome position (GRCh38, 1-based): chr7:5,982,879, A>T on the plus strand (T>A on the coding strand, the complement: PMS2 is on the minus strand). VCF-style: chr7-5982879-A-T. GRCh37 (hg19) VCF-style: chr7-6022510-A-T.
Other names: c.1714T>A, p.Tyr572Asn (NM_001018040.1, NM_001322003.2, NM_001322004.2 and 15 more transcripts); c.1963T>A, p.Tyr655Asn (NM_001322006.2, NM_001406870.1); c.1801T>A, p.Tyr601Asn (NM_001322007.2, NM_001322008.2, NM_001406876.1 and 1 more transcripts); c.1558T>A, p.Tyr520Asn (NM_001322010.2, NM_001406906.1, NM_001406907.1); c.1186T>A, p.Tyr396Asn (NM_001322011.2, NM_001322012.2); c.1546T>A, p.Tyr516Asn (NM_001322013.2, NM_001406909.1); c.2119T>A, p.Tyr707Asn (NM_001322014.2, NM_001406871.1); c.1810T>A, p.Tyr604Asn (NM_001322015.2, NM_001406875.1, NM_001406877.1 and 5 more transcripts); and 16 more; short protein forms Y306N, Y396N, Y450N, Y516N, Y520N, Y536N, Y549N, Y552N.
Identifiers: ClinVar variation 3232001 (VCV003232001.1), dbSNP rs1583298644, ClinGen allele CA366737956.

ClinVar aggregate classification (germline): Uncertain significance (1 of 4 stars; one submission).

Conditions:
Hereditary cancer-predisposing syndrome. Also called: Neoplastic Syndromes, Hereditary; Tumor predisposition; Hereditary neoplastic syndrome; Hereditary Cancer Syndrome. Identifiers: Orphanet 140162, MedGen C0027672, MeSH D009386, MONDO:0015356.

Submission:

Ambry Genetics
Classification: Uncertain significance for Hereditary cancer-predisposing syndrome. Last evaluated: 2023-12-18. Review status: criteria provided, single submitter. Criteria: Ambry Variant Classification Scheme 2023. Collection method: clinical testing. Allele origin: germline.
Comment: The p.Y707N variant (also known as c.2119T>A), located in coding exon 12 of the PMS2 gene, results from a T to A substitution at nucleotide position 2119. The tyrosine at codon 707 is replaced by asparagine, an amino acid with dissimilar properties. In an assay testing PMS2 function, this variant showed a functionally abnormal result (Rayner E et al. Hum Mutat, 2022 Sep;43:1249-1258). This amino acid position is highly conserved in available vertebrate species. In addition, this alteration is predicted to be deleterious by in silico analysis. Since supporting evidence is limited at this time, the clinical significance of this alteration remains unclear.

Literature cited by the submitters: PubMed 35451539.